The following is an entry in ClinVar:

NM_006361.6(HOXB13):c.149C>A (p.Pro50His)

Gene: HOXB13 (homeobox B13; minus strand). Cytogenetic location: 17q21.32.
Variant type: single nucleotide variant.
Coding change: c.149C>A on transcript NM_006361.6 (MANE Select); coding-DNA position 149, C replaced by A.
Protein change: p.Pro50His; replaces proline 50 with histidine.
Molecular consequence: missense variant.
Genome position (GRCh38, 1-based): chr17:48,728,445, G>T on the plus strand (C>A on the coding strand, the complement: HOXB13 is on the minus strand). VCF-style: chr17-48728445-G-T. GRCh37 (hg19) VCF-style: chr17-46805807-G-T.
Other names: short protein forms P50H.
Identifiers: ClinVar variation 1995039 (VCV001995039.5), dbSNP rs1597935017, ClinGen allele CA400109107.

ClinVar aggregate classification (germline): Uncertain significance. Review status: criteria provided, multiple submitters, no conflicts (2 of 4 stars). 2 submissions from 2 submitters: Uncertain significance (2). Last evaluated 2024-12-08.

Conditions:
Hereditary cancer-predisposing syndrome. Also called: Neoplastic Syndromes, Hereditary; Hereditary neoplastic syndrome; Tumor predisposition; Hereditary Cancer Syndrome. Identifiers: Orphanet 140162, MedGen C0027672, MeSH D009386, MONDO:0015356.

Submissions (2):

Ambry Genetics
Classification: Uncertain significance for Hereditary cancer-predisposing syndrome. Last evaluated: 2024-12-08. Review status: criteria provided, single submitter. Criteria: Ambry Variant Classification Scheme 2023. Collection method: clinical testing. Allele origin: germline.
Comment: The p.P50H variant (also known as c.149C>A), located in coding exon 1 of the HOXB13 gene, results from a C to A substitution at nucleotide position 149. The proline at codon 50 is replaced by histidine, an amino acid with similar properties. This amino acid position is conserved. In addition, this alteration is predicted to be tolerated by in silico analysis. Based on the available evidence, the clinical significance of this variant remains unclear.

Labcorp Genetics (formerly Invitae), Labcorp
Classification: Uncertain significance. Last evaluated: 2022-05-16. Review status: criteria provided, single submitter. Criteria: Invitae Variant Classification Sherloc (09022015). Collection method: clinical testing. Allele origin: germline.
Comment: In summary, the available evidence is currently insufficient to determine the role of this variant in disease. Therefore, it has been classified as a Variant of Uncertain Significance. Algorithms developed to predict the effect of missense changes on protein structure and function are either unavailable or do not agree on the potential impact of this missense change (SIFT: "Tolerated"; PolyPhen-2: "Possibly Damaging"; Align-GVGD: "Class C0"). This sequence change replaces proline, which is neutral and non-polar, with histidine, which is basic and polar, at codon 50 of the HOXB13 protein (p.Pro50His). This variant is not present in population databases (gnomAD no frequency). This variant has not been reported in the literature in individuals affected with HOXB13-related conditions.